The following is an entry in ClinVar:

ClinVar aggregate classification (germline): Uncertain significance. Review status: criteria provided, multiple submitters, no conflicts (2 of 4 stars). 3 submissions from 3 submitters: Uncertain significance (2). 1 of the submissions does not count toward it. Last evaluated 2025-08-08.

Conditions:
UNC119-related disorder. Also called: UNC119-related condition.

Allele frequency attached by ClinVar (database versions not stated): gnomAD 0.00001; TOPMed 0.00001; gnomAD exomes 0.00002 and 0.00004; ExAC 0.00013.

Submissions (3):

Ambry Genetics
Classification: Uncertain significance. Last evaluated: 2025-08-08. Review status: criteria provided, single submitter. Criteria: Ambry Variant Classification Scheme 2023. Collection method: clinical testing. Allele origin: germline.

Labcorp Genetics (formerly Invitae), Labcorp
Classification: Uncertain significance. Last evaluated: 2021-02-03. Review status: criteria provided, single submitter. Criteria: Invitae Variant Classification Sherloc (09022015). Collection method: clinical testing. Allele origin: germline.
Comment: In summary, the available evidence is currently insufficient to determine the role of this variant in disease. Therefore, it has been classified as a Variant of Uncertain Significance. Algorithms developed to predict the effect of missense changes on protein structure and function are either unavailable or do not agree on the potential impact of this missense change (SIFT: "Not Available"; PolyPhen-2: "Possibly Damaging"; Align-GVGD: "Not Available"). This variant has not been reported in the literature in individuals with UNC119-related conditions. This variant is present in population databases (rs761096411, ExAC 0.03%). This sequence change replaces glutamic acid with aspartic acid at codon 42 of the UNC119 protein (p.Glu42Asp). The glutamic acid residue is weakly conserved and there is a small physicochemical difference between glutamic acid and aspartic acid.

PreventionGenetics, part of Exact Sciences
Classification: Uncertain significance for UNC119-related condition. Last evaluated: 2024-01-05. Review status: no assertion criteria provided. Collection method: clinical testing. Allele origin: germline. Not counted in ClinVar's aggregate classification.
Comment: The UNC119 c.126G>C variant is predicted to result in the amino acid substitution p.Glu42Asp. To our knowledge, this variant has not been reported in the literature. This variant is reported in 0.0040% of alleles in individuals of European (Non-Finnish) descent in gnomAD. At this time, the clinical significance of this variant is uncertain due to the absence of conclusive functional and genetic evidence.

NM_005148.4(UNC119):c.126G>C (p.Glu42Asp)

Genes: UNC119 (unc-119 lipid binding chaperone; minus strand), LOC130060555 (ATAC-STARR-seq lymphoblastoid silent region 8343; plus strand). Cytogenetic location: 17q11.2.
Variant type: single nucleotide variant.
Coding change: c.126G>C on transcript NM_005148.4 (MANE Select); coding-DNA position 126, G replaced by C.
Protein change: p.Glu42Asp; replaces glutamic acid 42 with aspartic acid.
Molecular consequence: missense variant. On other transcripts: 5 prime UTR variant (1).
Genome position (GRCh38, 1-based): chr17:28,552,432, C>G on the plus strand (G>C on the coding strand, the complement: UNC119 is on the minus strand). VCF-style: chr17-28552432-C-G. GRCh37 (hg19) VCF-style: chr17-26879450-C-G.
Other names: c.-188G>C (NM_001330166.2); c.126G>C, p.Glu42Asp (NM_054035.2); c.126G>C (NM_005148.3); short protein forms E42D.
Identifiers: ClinVar variation 1492796 (VCV001492796.9), dbSNP rs761096411, ClinGen allele CA8459904.